The following is an entry in ClinVar:

NM_182961.4(SYNE1):c.21349A>T (p.Met7117Leu)

Gene: SYNE1 (spectrin repeat containing nuclear envelope protein 1; minus strand). Cytogenetic location: 6q25.2.
Variant type: single nucleotide variant.
Coding change: c.21349A>T on transcript NM_182961.4 (MANE Select); coding-DNA position 21349, A replaced by T.
Protein change: p.Met7117Leu; replaces methionine 7117 with leucine.
Molecular consequence: missense variant.
Genome position (GRCh38, 1-based): chr6:152,225,723, T>A on the plus strand (A>T on the coding strand, the complement: SYNE1 is on the minus strand). VCF-style: chr6-152225723-T-A. GRCh37 (hg19) VCF-style: chr6-152546858-T-A.
Other names: c.21136A>T, p.Met7046Leu (NM_033071.5); short protein forms M7046L, M7117L.
Identifiers: ClinVar variation 573455 (VCV000573455.6), dbSNP rs766914765, ClinGen allele CA4054190.
Genomic context (GRCh38, chr6:152,225,723, plus strand): 5'-AGTTTGGACAGAGCTGGCAAACACGGTCCTGGAGCTGGCTTTCTGTGAGCAATATTACCA[T>A]GTGATCTAAATTTGCCCAGGTTTGGCCGAGCTCTCGCAGTGTGCTCATGACAATGCTAGA-3'
Protein context (NP_892006.3, residues 7107-7127): LGQTWANLDH[Met7117Leu]VGQLKILLKS

ClinVar aggregate classification (germline): Uncertain significance (1 of 4 stars; one submission).

Conditions:
Emery-Dreifuss muscular dystrophy 4, autosomal dominant (EDMD4). Also called: EMERY-DREIFUSS MUSCULAR DYSTROPHY 4 WITH VARIABLE FEATURES. Identifiers: Orphanet 261, MedGen C2751807, MONDO:0013071, OMIM 612998.
Autosomal recessive ataxia, Beauce type. Also called: SYNE1-Related Autosomal Recessive Cerebellar Ataxia; Spinocerebellar ataxia, autosomal recessive 8; ATAXIA, RECESSIVE, OF BEAUCE; SYNE1 Deficiency. Identifiers: Orphanet 88644, MedGen C1853116, MONDO:0012549, OMIM 610743.

Allele frequency attached by ClinVar (database versions not stated): TOPMed 0.00002; gnomAD 0.00003.
gnomAD v4.1: 45 of 1,614,044 alleles (0.0028%); highest among the groups gnomAD compares: Non-Finnish European, 0.0036%; no homozygotes.

Submission:

Labcorp Genetics (formerly Invitae), Labcorp
Classification: Uncertain significance for Emery-Dreifuss muscular dystrophy 4, autosomal dominant; Autosomal recessive ataxia, Beauce type. Last evaluated: 2022-05-27. Review status: criteria provided, single submitter. Criteria: Invitae Variant Classification Sherloc (09022015). Collection method: clinical testing. Allele origin: germline.
Comment: This sequence change replaces methionine, which is neutral and non-polar, with leucine, which is neutral and non-polar, at codon 7046 of the SYNE1 protein (p.Met7046Leu). This variant is present in population databases (rs766914765, gnomAD 0.007%). This variant has not been reported in the literature in individuals affected with SYNE1-related conditions. ClinVar contains an entry for this variant (Variation ID: 573455). Algorithms developed to predict the effect of missense changes on protein structure and function (SIFT, PolyPhen-2, Align-GVGD) all suggest that this variant is likely to be tolerated. In summary, the available evidence is currently insufficient to determine the role of this variant in disease. Therefore, it has been classified as a Variant of Uncertain Significance.